The following is an entry in ClinVar:

NM_001368894.2(PAX6):c.527G>A (p.Trp176Ter)

Gene: PAX6 (paired box 6; minus strand). Cytogenetic location: 11p13.
Variant type: single nucleotide variant.
Coding change: c.527G>A on transcript NM_001368894.2 (MANE Select); coding-DNA position 527, G replaced by A.
Protein change: p.Trp176Ter; replaces tryptophan 176 with a stop codon.
Molecular consequence: nonsense. On other transcripts: non-coding transcript variant (2).
Genome position (GRCh38, 1-based): chr11:31,800,729, C>T on the plus strand (G>A on the coding strand, the complement: PAX6 is on the minus strand). VCF-style: chr11-31800729-C-T. GRCh37 (hg19) VCF-style: chr11-31822277-C-T.
Other names: c.485G>A, p.Trp162Ter (NM_000280.6, NM_001127612.3, NM_001258464.2 and 10 more transcripts); c.527G>A, p.Trp176Ter (NM_001258462.3, NM_001258463.2, NM_001310158.2 and 6 more transcripts); c.77G>A, p.Trp26Ter (NM_001310160.2, NM_001310161.3, NM_001368899.2 and 11 more transcripts); c.728G>A, p.Trp243Ter (NM_001368910.2); c.530G>A, p.Trp177Ter (NM_001368911.2); c.602G>A, p.Trp201Ter (NM_001368918.2, NM_001368919.2); c.560G>A, p.Trp187Ter (NM_001368920.2); c.326G>A, p.Trp109Ter (NM_001368921.2, NM_001368922.2, NM_001368923.2 and 4 more transcripts); and 1 more; short protein forms W243*, W162*, W176*, W187*, W26*, W95*, W109*, W201*.
Identifiers: ClinVar variation 942257 (VCV000942257.9), dbSNP rs1953478890, ClinGen allele CA379958003.

ClinVar aggregate classification (germline): Pathogenic. Review status: criteria provided, multiple submitters, no conflicts (2 of 4 stars). 2 submissions from 2 submitters: Pathogenic (2). Last evaluated 2022-10-19.

Conditions:
Irido-corneo-trabecular dysgenesis (ASGD5). Also called: ANTERIOR SEGMENT DYSGENESIS 5. Identifiers: Orphanet 708, MedGen C0344559, MONDO:0011414, OMIM 604229, HP:0000659.
Aniridia 1 (AN1). Identifiers: Orphanet 250923, MedGen C0344542, MONDO:0024507, OMIM 106210.

Submissions (2):

Labcorp Genetics (formerly Invitae), Labcorp
Classification: Pathogenic for Aniridia 1; Irido-corneo-trabecular dysgenesis. Last evaluated: 2022-10-19. Review status: criteria provided, single submitter. Criteria: Invitae Variant Classification Sherloc (09022015). Collection method: clinical testing. Allele origin: germline.
Comment: This sequence change creates a premature translational stop signal (p.Trp162*) in the PAX6 gene. It is expected to result in an absent or disrupted protein product. Loss-of-function variants in PAX6 are known to be pathogenic (PMID: 12634864). This variant is not present in population databases (gnomAD no frequency). This premature translational stop signal has been observed in individual(s) with aniridia (PMID: 32214788). ClinVar contains an entry for this variant (Variation ID: 942257). Algorithms developed to predict the effect of sequence changes on RNA splicing suggest that this variant may create or strengthen a splice site. For these reasons, this variant has been classified as Pathogenic.

GeneDx
Classification: Pathogenic. Last evaluated: 2020-01-20. Review status: criteria provided, single submitter. Criteria: GeneDx Variant Classification Process June 2021. Collection method: clinical testing. Allele origin: germline. Affected: yes.
Comment: Nonsense variant predicted to result in protein truncation or nonsense mediated decay in a gene for which loss-of-function is a known mechanism of disease; Not observed in large population cohorts (Lek et al., 2016); This variant is associated with the following publications: (PMID: 32214788, 23860752)

Literature cited by the submitters: PubMed 12634864 (cited by Labcorp Genetics (formerly Invitae), Labcorp); PubMed 32214788 (cited by Labcorp Genetics (formerly Invitae), Labcorp).